The following is an entry in ClinVar:

NM_002691.4(POLD1):c.559G>T (p.Val187Leu)

Gene: POLD1 (DNA polymerase delta 1, catalytic subunit; plus strand). Cytogenetic location: 19q13.33.
Variant type: single nucleotide variant.
Coding change: c.559G>T on transcript NM_002691.4 (MANE Select); coding-DNA position 559, G replaced by T.
Protein change: p.Val187Leu; replaces valine 187 with leucine.
Molecular consequence: missense variant. On other transcripts: non-coding transcript variant (1).
Genome position (GRCh38, 1-based): chr19:50,402,094, G>T. VCF-style: chr19-50402094-G-T. GRCh37 (hg19) VCF-style: chr19-50905351-G-T.
Other names: c.559G>T, p.Val187Leu (NM_001256849.1, NM_001308632.1); short protein forms V187L.
Identifiers: ClinVar variation 3421927 (VCV003421927.3).

ClinVar aggregate classification (germline): Uncertain significance. Review status: criteria provided, multiple submitters, no conflicts (2 of 4 stars). 2 submissions from 2 submitters: Uncertain significance (2). Last evaluated 2024-11-16.

Conditions:
Hereditary cancer-predisposing syndrome. Also called: Neoplastic Syndromes, Hereditary; Tumor predisposition; Hereditary Cancer Syndrome; Hereditary neoplastic syndrome. Identifiers: Orphanet 140162, MedGen C0027672, MeSH D009386, MONDO:0015356.
POLD1-related polyposis and colorectal cancer syndrome (CRCS10). Also called: Colorectal cancer 10; COLORECTAL CANCER, SUSCEPTIBILITY TO, ON CHROMOSOME 19q; Colorectal cancer, susceptibility to, 10. Identifiers: Orphanet 220460, MedGen C2675481, MONDO:0012953, OMIM 612591.

Submissions (2):

Ambry Genetics
Classification: Uncertain significance for Hereditary cancer-predisposing syndrome. Last evaluated: 2024-11-16. Review status: criteria provided, single submitter. Criteria: Ambry Variant Classification Scheme 2023. Collection method: clinical testing. Allele origin: germline.
Comment: The p.V187L variant (also known as c.559G>T), located in coding exon 4 of the POLD1 gene, results from a G to T substitution at nucleotide position 559. The valine at codon 187 is replaced by leucine, an amino acid with highly similar properties. This amino acid position is conserved. In addition, this alteration is predicted to be tolerated by in silico analysis. Based on the available evidence, the clinical significance of this variant remains unclear.

Labcorp Genetics (formerly Invitae), Labcorp
Classification: Uncertain significance for POLD1-related polyposis and colorectal cancer syndrome. Last evaluated: 2024-08-29. Review status: criteria provided, single submitter. Criteria: Invitae Variant Classification Sherloc (09022015). Collection method: clinical testing. Allele origin: germline.
Comment: This sequence change replaces valine, which is neutral and non-polar, with leucine, which is neutral and non-polar, at codon 187 of the POLD1 protein (p.Val187Leu). This variant is not present in population databases (gnomAD no frequency). This variant has not been reported in the literature in individuals affected with POLD1-related conditions. Invitae Evidence Modeling of protein sequence and biophysical properties (such as structural, functional, and spatial information, amino acid conservation, physicochemical variation, residue mobility, and thermodynamic stability) indicates that this missense variant is not expected to disrupt POLD1 protein function with a negative predictive value of 80%. In summary, the available evidence is currently insufficient to determine the role of this variant in disease. Therefore, it has been classified as a Variant of Uncertain Significance.